The following is an entry in ClinVar:

ClinVar aggregate classification (germline): Likely benign. Review status: criteria provided, single submitter (1 of 4 stars). 2 submissions from 2 submitters: Likely benign (1). 1 of the submissions does not count toward it. Last evaluated 2024-10-18.

Conditions:
Frontotemporal dementia and/or amyotrophic lateral sclerosis 4. Also called: FTDALS4. Identifiers: Orphanet 275872, MedGen C4225325, MONDO:0014641, OMIM 616439.
TBK1-related disorder. Also called: TBK1-related condition.

Allele frequency attached by ClinVar (database versions not stated): ExAC 0.00001.
gnomAD v4.1: 16 of 1,612,930 alleles (0.00099%); highest among the groups gnomAD compares: Non-Finnish European, 0.0012%; no homozygotes.

Submissions (2):

Labcorp Genetics (formerly Invitae), Labcorp
Classification: Likely benign for Frontotemporal dementia and/or amyotrophic lateral sclerosis 4. Last evaluated: 2024-10-18. Review status: criteria provided, single submitter. Criteria: Invitae Variant Classification Sherloc (09022015). Collection method: clinical testing. Allele origin: germline.

PreventionGenetics, part of Exact Sciences
Classification: Likely benign for TBK1-related condition. Last evaluated: 2022-03-18. Review status: no assertion criteria provided. Collection method: clinical testing. Allele origin: germline. Not counted in ClinVar's aggregate classification.
Comment: This variant is classified as likely benign based on ACMG/AMP sequence variant interpretation guidelines (Richards et al. 2015 PMID: 25741868, with internal and published modifications).

NM_013254.4(TBK1):c.447A>G (p.Gly149=)

Gene: TBK1 (TANK binding kinase 1; plus strand). Cytogenetic location: 12q14.2.
Variant type: single nucleotide variant.
Coding change: c.447A>G on transcript NM_013254.4 (MANE Select); coding-DNA position 447, A replaced by G.
Protein change: p.Gly149=; no amino-acid change (glycine 149 retained).
Molecular consequence: synonymous variant.
Genome position (GRCh38, 1-based): chr12:64,466,989, A>G. VCF-style: chr12-64466989-A-G. GRCh37 (hg19) VCF-style: chr12-64860769-A-G.
Identifiers: ClinVar variation 3049506 (VCV003049506.4), dbSNP rs767902340, ClinGen allele CA6668819.